The following is an entry in ClinVar:

NC_000023.10:g.(?_8501036)_(8700077_?)del

Gene: ANOS1 (anosmin 1; minus strand). Cytogenetic location: Xp22.31.
Variant type: Deletion.
Identifiers: ClinVar variation 2422590 (VCV002422590.4).

ClinVar aggregate classification (germline): Pathogenic (1 of 4 stars; one submission).

Conditions:
Hypogonadotropic hypogonadism 1 with or without anosmia (HH1). Also called: DYSPLASIA OLFACTOGENITALIS OF DE MORSIER; KAL1-Related GnRH Deficiency (Kallmann Syndrome 1; Kallmann Syndrome, X-Linked); HYPOGONADOTROPIC HYPOGONADISM 1 WITH ANOSMIA; HYPOGONADOTROPIC HYPOGONADISM AND ANOSMIA; Kallmann syndrome, type 1, X-linked; Hypogonadotropic hypogonadism 1 with or without anosmia (Kallmann syndrome 1). Identifiers: Orphanet 478, MedGen C1563719, MONDO:0010635, OMIM 308700. Disease mechanism: loss of function.

Submission:

Labcorp Genetics (formerly Invitae), Labcorp
Classification: Pathogenic for Hypogonadotropic hypogonadism 1 with or without anosmia. Last evaluated: 2023-02-22. Review status: criteria provided, single submitter. Criteria: Invitae Variant Classification Sherloc (09022015). Collection method: clinical testing. Allele origin: germline.
Comment: A gross deletion of the genomic region encompassing the full coding sequence of the ANOS1 gene has been identified. Loss-of-function variants in ANOS1 are known to be pathogenic (PMID: 8504298, 11297579). The boundaries of this event are unknown as they extend beyond the assayed region for this gene and therefore may encompass additional genes. A similar copy number variant has been observed in individual(s) with Kallmann syndrome (PMID: 18259106, 24031091). For these reasons, this variant has been classified as Pathogenic.

Literature cited by the submitters: PubMed 8504298; PubMed 11297579; PubMed 18259106; PubMed 24031091.